The following is an entry in ClinVar:

NM_000285.4(PEPD):c.1291C>T (p.Arg431Cys)

Gene: PEPD (peptidase D; minus strand). Cytogenetic location: 19q13.11.
Variant type: single nucleotide variant.
Coding change: c.1291C>T on transcript NM_000285.4 (MANE Select); coding-DNA position 1291, C replaced by T.
Protein change: p.Arg431Cys; replaces arginine 431 with cysteine.
Molecular consequence: missense variant.
Genome position (GRCh38, 1-based): chr19:33,387,943, G>A on the plus strand (C>T on the coding strand, the complement: PEPD is on the minus strand). VCF-style: chr19-33387943-G-A. GRCh37 (hg19) VCF-style: chr19-33878849-G-A.
Other names: c.1168C>T, p.Arg390Cys (NM_001166056.2); c.1099C>T, p.Arg367Cys (NM_001166057.2); short protein forms R431C, R367C, R390C.
Identifiers: ClinVar variation 328793 (VCV000328793.6), dbSNP rs751121493, ClinGen allele CA9363939.

ClinVar aggregate classification (germline): Uncertain significance. Review status: criteria provided, multiple submitters, no conflicts (2 of 4 stars). 2 submissions from 2 submitters: Uncertain significance (2). Last evaluated 2022-05-21.

Conditions:
Prolidase deficiency. Identifiers: Orphanet 742, MedGen C0268532, MONDO:0008221, OMIM 170100.

Allele frequency attached by ClinVar (database versions not stated): gnomAD exomes 0.00001 and 0.00004; gnomAD 0.00002; TOPMed 0.00002; ExAC 0.00008.
gnomAD v4.1: 54 of 1,597,652 alleles (0.0034%); highest among the groups gnomAD compares: Non-Finnish European, 0.0043%; no homozygotes.

Submissions (2):

Labcorp Genetics (formerly Invitae), Labcorp
Classification: Uncertain significance. Last evaluated: 2022-05-21. Review status: criteria provided, single submitter. Criteria: Invitae Variant Classification Sherloc (09022015). Collection method: clinical testing. Allele origin: germline.
Comment: This sequence change replaces arginine, which is basic and polar, with cysteine, which is neutral and slightly polar, at codon 431 of the PEPD protein (p.Arg431Cys). The frequency data for this variant in the population databases is considered unreliable, as metrics indicate poor data quality at this position in the gnomAD database. This variant has not been reported in the literature in individuals affected with PEPD-related conditions. ClinVar contains an entry for this variant (Variation ID: 328793). Algorithms developed to predict the effect of missense changes on protein structure and function are either unavailable or do not agree on the potential impact of this missense change (SIFT: "Deleterious"; PolyPhen-2: "Benign"; Align-GVGD: "Class C15"). In summary, the available evidence is currently insufficient to determine the role of this variant in disease. Therefore, it has been classified as a Variant of Uncertain Significance.

Illumina Laboratory Services, Illumina
Classification: Uncertain significance for Prolidase deficiency. Last evaluated: 2018-01-13. Review status: criteria provided, single submitter. Criteria: ICSL Variant Classification Criteria 13 December 2019. Collection method: clinical testing. Allele origin: germline.